The following is an entry in ClinVar:

NM_000686.5(AGTR2):c.812C>T (p.Pro271Leu)

Gene: AGTR2 (angiotensin II receptor type 2; plus strand). Cytogenetic location: Xq23.
Variant type: single nucleotide variant.
Coding change: c.812C>T on transcript NM_000686.5 (MANE Select); coding-DNA position 812, C replaced by T.
Protein change: p.Pro271Leu; replaces proline 271 with leucine.
Molecular consequence: missense variant.
Genome position (GRCh38, 1-based): chrX:116,173,092, C>T. VCF-style: chrX-116173092-C-T. GRCh37 (hg19) VCF-style: chrX-115304345-C-T.
Other names: c.812C>T, p.Pro271Leu (NM_001385624.1); short protein forms P271L.
Identifiers: ClinVar variation 1762116 (VCV001762116.2), dbSNP rs3729979, ClinGen allele CA10497314.

ClinVar aggregate classification (germline): Uncertain significance (1 of 4 stars; one submission).

Allele frequency attached by ClinVar (database versions not stated): ExAC 0.00008; ESP Exome Variant Server 0.00009; TOPMed 0.00017; gnomAD 0.00024; gnomAD exomes 0.00038.

Submission:

Ambry Genetics
Classification: Uncertain significance. Last evaluated: 2016-10-05. Review status: criteria provided, single submitter. Criteria: Ambry Variant Classification Scheme 2023. Collection method: clinical testing. Allele origin: germline.
Comment: The p.P271L variant (also known as c.812C>T), located in coding exon 1 of the AGTR2 gene, results from a C to T substitution at nucleotide position 812. The proline at codon 271 is replaced by leucine, an amino acid with similar properties. This variant was previously reported in the SNPDatabase as rs3729979. Based on data from the NHLBI Exome Sequencing Project (ESP), the T allele was absent out of 2443 total male alleles studied. This amino acid position is highly conserved in available vertebrate species. In addition, this alteration is predicted to be deleterious by in silico analysis. Since supporting evidence is limited at this time, the clinical significance of this alteration remains unclear.